The following is an entry in ClinVar:

NM_175723.2(SSX5):c.75C>T (p.Phe25=)

Gene: SSX5 (SSX family member 5; minus strand). Cytogenetic location: Xp11.23.
Variant type: single nucleotide variant.
Coding change: c.75C>T on transcript NM_175723.2 (MANE Select); coding-DNA position 75, C replaced by T.
Protein change: p.Phe25=; no amino-acid change (phenylalanine 25 retained).
Molecular consequence: synonymous variant.
Genome position (GRCh38, 1-based): chrX:48,194,849, G>A on the plus strand (C>T on the coding strand, the complement: SSX5 is on the minus strand). VCF-style: chrX-48194849-G-A. GRCh37 (hg19) VCF-style: chrX-48054285-G-A.
Other names: c.198C>T, p.Phe66= (NM_021015.4).
Identifiers: ClinVar variation 2660444 (VCV002660444.24), dbSNP rs782710401, ClinGen allele CA10400997.

ClinVar aggregate classification (germline): Likely benign (1 of 4 stars; one submission).

Allele frequency attached by ClinVar (database versions not stated): ExAC 0.00009; gnomAD 0.00012; TOPMed 0.00013.
gnomAD v4.1: 454 of 1,198,691 alleles (0.038%); highest among the groups gnomAD compares: Non-Finnish European, 0.05%; no homozygotes.

Submission:

CeGaT Center for Human Genetics Tuebingen
Classification: Likely benign. Last evaluated: 2022-09-01. Review status: criteria provided, single submitter. Criteria: CeGaT Center For Human Genetics Tuebingen Variant Classification Criteria Version 2. Collection method: clinical testing. Allele origin: germline. Affected: yes. Observed: 1 variant allele.
Comment: SSX5: BP4, BP7